The following is an entry in ClinVar:

NM_130837.3(OPA1):c.170C>T (p.Thr57Ile)

Gene: OPA1 (OPA1 mitochondrial dynamin like GTPase; plus strand). Cytogenetic location: 3q29.
Variant type: single nucleotide variant.
Coding change: c.170C>T on transcript NM_130837.3 (MANE Select); coding-DNA position 170, C replaced by T.
Protein change: p.Thr57Ile; replaces threonine 57 with isoleucine.
Molecular consequence: missense variant. On other transcripts: 5 prime UTR variant (2).
Genome position (GRCh38, 1-based): chr3:193,614,860, C>T. VCF-style: chr3-193614860-C-T. GRCh37 (hg19) VCF-style: chr3-193332649-C-T.
Other names: c.-203C>T (NM_001354663.2, NM_001354664.2); c.170C>T, p.Thr57Ile (NM_015560.3, NM_130831.3, NM_130832.3 and 4 more transcripts); short protein forms T57I.
Identifiers: ClinVar variation 1903811 (VCV001903811.6), dbSNP rs549213088, ClinGen allele CA90567053.

ClinVar aggregate classification (germline): Uncertain significance. Review status: criteria provided, multiple submitters, no conflicts (2 of 4 stars). 2 submissions from 2 submitters: Uncertain significance (2). Last evaluated 2025-04-30.

Conditions:
Inborn genetic diseases. Identifiers: MedGen C0950123, MeSH D030342.

Allele frequency attached by ClinVar (database versions not stated): gnomAD exomes below 0.00001; TOPMed 0.00002; gnomAD 0.00003.
gnomAD v4.1: 10 of 1,614,022 alleles (0.00062%); highest among the groups gnomAD compares: African/African-American, 0.004%; 1 homozygote.

Submissions (2):

Labcorp Genetics (formerly Invitae), Labcorp
Classification: Uncertain significance. Last evaluated: 2025-04-30. Review status: criteria provided, single submitter. Criteria: Invitae Variant Classification Sherloc (09022015). Collection method: clinical testing. Allele origin: germline.
Comment: This sequence change replaces threonine, which is neutral and polar, with isoleucine, which is neutral and non-polar, at codon 57 of the OPA1 protein (p.Thr57Ile). This variant is not present in population databases (gnomAD no frequency). This variant has not been reported in the literature in individuals affected with OPA1-related conditions. ClinVar contains an entry for this variant (Variation ID: 1903811). Invitae Evidence Modeling of protein sequence and biophysical properties (such as structural, functional, and spatial information, amino acid conservation, physicochemical variation, residue mobility, and thermodynamic stability) indicates that this missense variant is not expected to disrupt OPA1 protein function with a negative predictive value of 95%. Algorithms developed to predict the effect of sequence changes on RNA splicing suggest that this variant may create or strengthen a splice site. In summary, the available evidence is currently insufficient to determine the role of this variant in disease. Therefore, it has been classified as a Variant of Uncertain Significance.

Ambry Genetics
Classification: Uncertain significance for Inborn genetic diseases. Last evaluated: 2021-07-08. Review status: criteria provided, single submitter. Criteria: Ambry Variant Classification Scheme 2023. Collection method: clinical testing. Allele origin: germline.